The following is an entry in ClinVar:

NM_000038.6(APC):c.791A>G (p.Gln264Arg)

Gene: APC (APC regulator of Wnt signaling pathway; plus strand). Cytogenetic location: 5q22.2.
Variant type: single nucleotide variant.
Coding change: c.791A>G on transcript NM_000038.6 (MANE Select); coding-DNA position 791, A replaced by G.
Protein change: p.Gln264Arg; replaces glutamine 264 with arginine.
Molecular consequence: missense variant. On other transcripts: 5 prime UTR variant (1).
Genome position (GRCh38, 1-based): chr5:112,801,340, A>G. VCF-style: chr5-112801340-A-G. GRCh37 (hg19) VCF-style: chr5-112137037-A-G.
Other names: c.791A>G, p.Gln264Arg (NM_001127510.3, NM_001354895.2, NM_001354896.2 and 1 more transcripts); c.737A>G, p.Gln246Arg (NM_001127511.3); c.821A>G, p.Gln274Arg (NM_001354897.2, NM_001354902.2); c.716A>G, p.Gln239Arg (NM_001354898.2, NM_001354904.2); c.707A>G, p.Gln236Arg (NM_001354899.2); c.614A>G, p.Gln205Arg (NM_001354900.2, NM_001354901.2, NM_001354905.2); c.-245A>G (NM_001354906.2); short protein forms Q246R, Q264R, Q239R, Q274R, Q205R, Q236R.
Identifiers: ClinVar variation 411364 (VCV000411364.48), dbSNP rs369345931, ClinGen allele CA049479.
Genomic context (GRCh38, chr5:112,801,340, plus strand): 5'-GGTCATCTCAGAACAAGCATGAAACCGGCTCACATGATGCTGAGCGGCAGAATGAAGGTC[A>G]AGGAGTGGGAGAAATCAACATGGCAACTTCTGGTAATGGTCAGGTAAATAAATTATTTTA-3'
Protein context (NP_000029.2, residues 254-274): SHDAERQNEG[Gln264Arg]GVGEINMATS

ClinVar aggregate classification (germline): Conflicting classifications of pathogenicity. Review status: criteria provided, conflicting classifications (1 of 4 stars). 8 submissions from 8 submitters: Uncertain significance (7); Likely benign (1). Last evaluated 2025-12-29.

Conditions:
Classic or attenuated familial adenomatous polyposis. Identifiers: MedGen CN372698, MONDO:0021057.
Familial adenomatous polyposis 1 (FAP1). Also called: FAMILIAL ADENOMATOUS POLYPOSIS 1, ATTENUATED; POLYPOSIS, ADENOMATOUS INTESTINAL. Identifiers: MedGen C2713442, MONDO:0021056, OMIM 175100. Disease mechanism: loss of function.
Neoplasm of stomach. Also called: Neoplasm of the stomach; Gastric neoplasm; Stomach Neoplasms. Identifiers: MedGen C0038356, MONDO:0021085, HP:0006753. Disease mechanism: gain of function. Inheritance: Somatic mutation.
Desmoid disease, hereditary (DESMD). Also called: FIBROMATOSIS, FAMILIAL INFILTRATIVE. Identifiers: Orphanet 873, MedGen C1851124, OMIM 135290. Disease mechanism: loss of function.
Carcinoma of colon (CRC). Also called: Colon carcinoma; Colonic carcinoma. Identifiers: MedGen C0699790, MONDO:0002032.
Hepatocellular carcinoma (HCC). Also called: Primary carcinoma of liver; HEPATOMA; LIVER CELL CARCINOMA. Identifiers: Orphanet 88673, MedGen C2239176, MONDO:0007256, OMIM 114550, HP:0001402.
Hereditary cancer-predisposing syndrome. Also called: Hereditary neoplastic syndrome; Hereditary Cancer Syndrome; Tumor predisposition; Neoplastic Syndromes, Hereditary. Identifiers: Orphanet 140162, MedGen C0027672, MeSH D009386, MONDO:0015356.

Allele frequency attached by ClinVar (database versions not stated): TOPMed 0.00001; gnomAD exomes 0.00002; gnomAD 0.00003; ESP Exome Variant Server 0.00008; ExAC 0.00001.
gnomAD v4.1: 36 of 1,612,768 alleles (0.0022%); highest among the groups gnomAD compares: Non-Finnish European, 0.0031%; no homozygotes.

Submissions (8):

Labcorp Genetics (formerly Invitae), Labcorp
Classification: Uncertain significance for Familial adenomatous polyposis 1. Last evaluated: 2025-12-29. Review status: criteria provided, single submitter. Criteria: Invitae Variant Classification Sherloc (09022015). Collection method: clinical testing. Allele origin: germline.
Comment: This sequence change replaces glutamine, which is neutral and polar, with arginine, which is basic and polar, at codon 264 of the APC protein (p.Gln264Arg). This variant is present in population databases (rs369345931, gnomAD 0.02%). This variant has not been reported in the literature in individuals affected with APC-related conditions. ClinVar contains an entry for this variant (Variation ID: 411364). Invitae Evidence Modeling of protein sequence and biophysical properties (such as structural, functional, and spatial information, amino acid conservation, physicochemical variation, residue mobility, and thermodynamic stability) indicates that this missense variant is not expected to disrupt APC protein function with a negative predictive value of 95%. In summary, the available evidence is currently insufficient to determine the role of this variant in disease. Therefore, it has been classified as a Variant of Uncertain Significance.

All of Us Research Program, National Institutes of Health
Classification: Uncertain significance for Classic or attenuated familial adenomatous polyposis. Last evaluated: 2024-06-09. Review status: criteria provided, single submitter. Criteria: ACMG Guidelines, 2015. Collection method: clinical testing. Allele origin: germline. Inheritance: Autosomal dominant inheritance. Observed: 5 variant alleles, 5 heterozygotes.
Comment: This missense variant replaces glutamine with arginine at codon 264 of the APC protein. Computational prediction suggests that this variant may not impact protein structure and function (internally defined REVEL score threshold <= 0.5, PMID: 27666373). Splice site prediction tools suggest that this variant may not impact RNA splicing. To our knowledge, functional studies have not been reported for this variant. This variant has not been reported in individuals affected with hereditary cancer in the literature. This variant has been identified in 3/31408 chromosomes in the general population by the Genome Aggregation Database (gnomAD). The available evidence is insufficient to determine the role of this variant in disease conclusively. Therefore, this variant is classified as a Variant of Uncertain Significance.

This study involves interpretation of variants in research participants for the purpose of population health screening. Participant phenotype was not available at the time of variant classification. Additional details can be found in publication PMID: 35346344, PMCID: PMC8962531

GeneDx
Classification: Uncertain significance. Last evaluated: 2024-05-30. Review status: criteria provided, single submitter. Criteria: GeneDx Variant Classification Process June 2021. Collection method: clinical testing. Allele origin: germline. Affected: yes.
Comment: In silico analysis indicates that this missense variant does not alter protein structure/function; Has not been previously published as pathogenic or benign to our knowledge

Color Diagnostics, LLC DBA Color Health
Classification: Uncertain significance for Hereditary cancer-predisposing syndrome. Last evaluated: 2024-05-29. Review status: criteria provided, single submitter. Criteria: ACMG Guidelines, 2015. Collection method: clinical testing. Allele origin: germline.
Comment: This missense variant replaces glutamine with arginine at codon 264 of the APC protein. Computational prediction suggests that this variant may not impact protein structure and function (internally defined REVEL score threshold <= 0.5, PMID: 27666373). To our knowledge, functional studies have not been reported for this variant. This variant has not been reported in individuals affected with APC-related disorders in the literature. This variant has been identified in 3/31408 chromosomes in the general population by the Genome Aggregation Database (gnomAD). The available evidence is insufficient to determine the role of this variant in disease conclusively. Therefore, this variant is classified as a Variant of Uncertain Significance.

Baylor Genetics
Classification: Uncertain significance for Familial adenomatous polyposis 1. Last evaluated: 2024-03-09. Review status: criteria provided, single submitter. Criteria: ACMG Guidelines, 2015. Collection method: clinical testing. Allele origin: unknown.

Ambry Genetics
Classification: Likely benign for Hereditary cancer-predisposing syndrome. Last evaluated: 2023-02-01. Review status: criteria provided, single submitter. Criteria: Ambry Variant Classification Scheme 2023. Collection method: clinical testing. Allele origin: germline.

Fulgent Genetics
Classification: Uncertain significance for Colorectal cancer; Hepatocellular carcinoma; Desmoid disease, hereditary; Familial adenomatous polyposis 1; Gastric cancer. Last evaluated: 2018-10-31. Review status: criteria provided, single submitter. Criteria: ACMG Guidelines, 2015. Collection method: clinical testing. Allele origin: unknown.

Quest Diagnostics Nichols Institute San Juan Capistrano
Classification: Uncertain significance. Last evaluated: 2017-09-29. Review status: criteria provided, single submitter. Criteria: Quest Diagnostics criteria. Collection method: clinical testing. Allele origin: germline.